The following is an entry in ClinVar:

ClinVar aggregate classification (germline): Uncertain significance (1 of 4 stars; one submission).

Allele frequency attached by ClinVar (database versions not stated): gnomAD exomes below 0.00001; TOPMed below 0.00001; gnomAD 0.00001.
gnomAD v4.1: 2 of 1,614,052 alleles (0.00012%); highest among the groups gnomAD compares: African/African-American, 0.0027%; no homozygotes.

Submission:

Labcorp Genetics (formerly Invitae), Labcorp
Classification: Uncertain significance. Last evaluated: 2022-05-24. Review status: criteria provided, single submitter. Criteria: Invitae Variant Classification Sherloc (09022015). Collection method: clinical testing. Allele origin: germline.
Comment: This sequence change replaces histidine, which is basic and polar, with arginine, which is basic and polar, at codon 471 of the FAT4 protein (p.His471Arg). In summary, the available evidence is currently insufficient to determine the role of this variant in disease. Therefore, it has been classified as a Variant of Uncertain Significance. Advanced modeling of protein sequence and biophysical properties (such as structural, functional, and spatial information, amino acid conservation, physicochemical variation, residue mobility, and thermodynamic stability) performed at Invitae indicates that this missense variant is not expected to disrupt FAT4 protein function. This variant has not been reported in the literature in individuals affected with FAT4-related conditions. This variant is not present in population databases (gnomAD no frequency).

NM_001291303.3(FAT4):c.1412A>G (p.His471Arg)

Gene: FAT4 (FAT atypical cadherin 4; plus strand). Cytogenetic location: 4q28.1.
Variant type: single nucleotide variant.
Coding change: c.1412A>G on transcript NM_001291303.3 (MANE Select); coding-DNA position 1412, A replaced by G.
Protein change: p.His471Arg; replaces histidine 471 with arginine.
Molecular consequence: missense variant.
Genome position (GRCh38, 1-based): chr4:125,317,823, A>G. VCF-style: chr4-125317823-A-G. GRCh37 (hg19) VCF-style: chr4-126238978-A-G.
Other names: c.1412A>G, p.His471Arg (NM_001291285.3, NM_024582.6); short protein forms H471R.
Identifiers: ClinVar variation 1998246 (VCV001998246.4), dbSNP rs1442208144, ClinGen allele CA358117847.
Genomic context (GRCh38, chr4:125,317,823, plus strand): 5'-CAGTCCAGGCGCGCTCTTCTGTGGCAAGCCTGGTGATTTTTGTTAATGACATCAATGACC[A>G]TCCTCCTGTCTTTTCACAGCAAGTGTACAGAGTGAACCTGAGCGAGGAGGCGCCTCCGGG-3'
Protein context (NP_001278232.1, residues 461-481): LVIFVNDIND[His471Arg]PPVFSQQVYR